The following is an entry in ClinVar:

NM_003482.4(KMT2D):c.13316C>T (p.Pro4439Leu)

Gene: KMT2D (lysine methyltransferase 2D; minus strand). Cytogenetic location: 12q13.12.
Variant type: single nucleotide variant.
Coding change: c.13316C>T on transcript NM_003482.4 (MANE Select); coding-DNA position 13316, C replaced by T.
Protein change: p.Pro4439Leu; replaces proline 4439 with leucine.
Molecular consequence: missense variant.
Genome position (GRCh38, 1-based): chr12:49,031,389, G>A on the plus strand (C>T on the coding strand, the complement: KMT2D is on the minus strand). VCF-style: chr12-49031389-G-A. GRCh37 (hg19) VCF-style: chr12-49425172-G-A.
Other names: short protein forms P4439L.
Identifiers: ClinVar variation 2573915 (VCV002573915.7), dbSNP rs1241744534, ClinGen allele CA384705038.

ClinVar aggregate classification (germline): Conflicting classifications of pathogenicity. Review status: criteria provided, conflicting classifications (1 of 4 stars). 5 submissions from 5 submitters: Uncertain significance (3); Benign (1). 1 of the submissions does not count toward it. Last evaluated 2025-11-05.

Conditions:
Choanal atresia-athelia-hypothyroidism-delayed puberty-short stature syndrome (BCAHH). Also called: BRANCHIAL ARCH ABNORMALITIES, CHOANAL ATRESIA, ATHELIA, HEARING LOSS, AND HYPOTHYROIDISM SYNDROME. Identifiers: Orphanet 589856, MedGen C5680310, MONDO:0035651, OMIM 620186.
Kabuki syndrome 1 (KABUK1). Also called: KMT2D-Related Kabuki Syndrome. Identifiers: Orphanet 2322, MedGen CN030661, MONDO:0007843, OMIM 147920.
Kabuki syndrome. Also called: NIIKAWA-KUROKI SYNDROME; Kabuki make-up syndrome. Identifiers: Orphanet 2322, MedGen C0796004, MONDO:0016512.
KMT2D-related disorder. Also called: KMT2D-Related Disorders.
Inborn genetic diseases. Identifiers: MedGen C0950123, MeSH D030342.

Allele frequency attached by ClinVar (database versions not stated): gnomAD exomes below 0.00001; TOPMed below 0.00001; gnomAD 0.00001.
gnomAD v4.1: 2 of 1,613,476 alleles (0.00012%); highest among the groups gnomAD compares: African/African-American, 0.0027%; no homozygotes.

Submissions (5):

Ambry Genetics
Classification: Uncertain significance for Inborn genetic diseases. Last evaluated: 2025-11-05. Review status: criteria provided, single submitter. Criteria: Ambry Variant Classification Scheme 2023. Collection method: clinical testing. Allele origin: germline.

Labcorp Genetics (formerly Invitae), Labcorp
Classification: Benign for Kabuki syndrome. Last evaluated: 2024-07-15. Review status: criteria provided, single submitter. Criteria: Invitae Variant Classification Sherloc (09022015). Collection method: clinical testing. Allele origin: germline.

Fulgent Genetics
Classification: Uncertain significance for Kabuki syndrome 1; Choanal atresia-athelia-hypothyroidism-delayed puberty-short stature syndrome. Last evaluated: 2024-04-01. Review status: criteria provided, single submitter. Criteria: ACMG Guidelines, 2015. Collection method: clinical testing. Allele origin: germline.

GeneDx
Classification: Uncertain significance. Last evaluated: 2023-09-28. Review status: criteria provided, single submitter. Criteria: GeneDx Variant Classification Process June 2021. Collection method: clinical testing. Allele origin: germline.
Comment: In silico analysis supports that this missense variant does not alter protein structure/function; Has not been previously published as pathogenic or benign to our knowledge

PreventionGenetics, part of Exact Sciences
Classification: Uncertain significance for KMT2D-related condition. Last evaluated: 2024-09-21. Review status: no assertion criteria provided. Collection method: clinical testing. Allele origin: germline. Not counted in ClinVar's aggregate classification.
Comment: The KMT2D c.13316C>T variant is predicted to result in the amino acid substitution p.Pro4439Leu. To our knowledge, this variant has not been reported in the literature. This variant is reported in 0.0065% of alleles in individuals of African descent in gnomAD. At this time, the clinical significance of this variant is uncertain due to the absence of conclusive functional and genetic evidence.